The following is an entry in ClinVar:

ClinVar aggregate classification (germline): Conflicting classifications of pathogenicity. Review status: criteria provided, conflicting classifications (1 of 4 stars). 6 submissions from 6 submitters: Uncertain significance (1); Likely benign (3). 2 of the submissions do not count toward it. Last evaluated 2026-02-02.

Conditions:
NAGLU-related disorder. Also called: NAGLU-related condition.
Charcot-Marie-Tooth disease axonal type 2V. Also called: CHARCOT-MARIE-TOOTH NEUROPATHY, TYPE 2V; CHARCOT-MARIE-TOOTH DISEASE, AXONAL, AUTOSOMAL DOMINANT, TYPE 2V. Identifiers: Orphanet 447964, MedGen C5569050, MONDO:0014665, OMIM 616491.
Mucopolysaccharidosis, MPS-III-B (MPS3B). Also called: Mucopolysaccharidosis type IIIB (Sanfilippo B); MPS IIIB (Sanfilippo Syndrome Type B); MPS III B; N-ACETYL-ALPHA-D-GLUCOSAMINIDASE DEFICIENCY; NAGLU DEFICIENCY; MUCOPOLYSACCHARIDOSIS, TYPE IIIB. Identifiers: Orphanet 79270, MedGen C0086648, MONDO:0009656, OMIM 252920.

Allele frequency attached by ClinVar (database versions not stated): TOPMed 0.00041; gnomAD 0.00048 and 0.00050; ExAC 0.00085; ESP Exome Variant Server 0.00038; 1000 Genomes Project 30x 0.00062; 1000 Genomes Project 0.00040; gnomAD exomes 0.00063.
gnomAD v4.1: 1,134 of 1,613,692 alleles (0.07%); highest among the groups gnomAD compares: Non-Finnish European, 0.079%; 1 homozygote.

Submissions (6):

Labcorp Genetics (formerly Invitae), Labcorp
Classification: Likely benign for Charcot-Marie-Tooth disease axonal type 2V; Mucopolysaccharidosis, MPS-III-B. Last evaluated: 2026-02-02. Review status: criteria provided, single submitter. Criteria: Invitae Variant Classification Sherloc (09022015). Collection method: clinical testing. Allele origin: germline.

Laboratory of Genetics, Children's Clinical University Hospital Latvia
Classification: Likely benign. Last evaluated: 2025-02-16. Review status: criteria provided, single submitter. Criteria: ACMG Guidelines, 2015. Collection method: clinical testing. Allele origin: germline. Affected: yes.

Blueprint Genetics
Classification: Likely benign. Last evaluated: 2024-11-22. Review status: criteria provided, single submitter. Criteria: ACMG Guidelines, 2015. Collection method: clinical testing. Allele origin: germline.

Illumina Laboratory Services, Illumina
Classification: Uncertain significance for Mucopolysaccharidosis, MPS-III-B. Last evaluated: 2018-01-13. Review status: criteria provided, single submitter. Criteria: ICSL Variant Classification Criteria 13 December 2019. Collection method: clinical testing. Allele origin: germline.

PreventionGenetics, part of Exact Sciences
Classification: Likely benign for NAGLU-related condition. Last evaluated: 2024-09-23. Review status: no assertion criteria provided. Collection method: clinical testing. Allele origin: germline. Not counted in ClinVar's aggregate classification.
Comment: This variant is classified as likely benign based on ACMG/AMP sequence variant interpretation guidelines (Richards et al. 2015 PMID: 25741868, with internal and published modifications).

Natera, Inc.
Classification: Likely benign for Mucopolysaccharidosis type IIIB. Last evaluated: 2020-01-22. Review status: no assertion criteria provided. Collection method: clinical testing. Allele origin: germline. Not counted in ClinVar's aggregate classification.

NM_000263.4(NAGLU):c.2157G>A (p.Pro719=)

Gene: NAGLU (N-acetyl-alpha-glucosaminidase; plus strand). Cytogenetic location: 17q21.2.
Variant type: single nucleotide variant.
Coding change: c.2157G>A on transcript NM_000263.4 (MANE Select); coding-DNA position 2157, G replaced by A.
Protein change: p.Pro719=; no amino-acid change (proline 719 retained).
Molecular consequence: synonymous variant.
Genome position (GRCh38, 1-based): chr17:42,544,163, G>A. VCF-style: chr17-42544163-G-A. GRCh37 (hg19) VCF-style: chr17-40696181-G-A.
Identifiers: ClinVar variation 323306 (VCV000323306.22), dbSNP rs114687267, ClinGen allele CA8577151.